The following is an entry in ClinVar:

ClinVar aggregate classification (germline): Conflicting classifications of pathogenicity. Review status: criteria provided, conflicting classifications (1 of 4 stars). 2 submissions from 2 submitters: Likely pathogenic (1); Uncertain significance (1). Last evaluated 2026-05-11.

Conditions:
Polycystic kidney disease, adult type (PKD1). Also called: Polycystic Kidney Disease 1, Autosomal Dominant; Polycystic kidney disease 1; Polycystic kidney disease 1, severe; POLYCYSTIC KIDNEY DISEASE 1 WITH OR WITHOUT POLYCYSTIC LIVER DISEASE; POLYCYSTIC KIDNEY DISEASE, ADULT, TYPE I; Polycystic Kidney, Autosomal Dominant. Identifiers: MedGen C3149841, MONDO:0008263, OMIM 173900.
PKD1-related disorder. Also called: PKD1-related condition.

Submissions (2):

PreventionGenetics, part of Exact Sciences
Classification: Uncertain significance for PKD1-related condition. Last evaluated: 2026-05-11. Review status: criteria provided, single submitter. Criteria: ACMG Guidelines, 2015. Collection method: clinical testing. Allele origin: germline.
Comment: The PKD1 c.3741G>C variant is predicted to result in the amino acid substitution p.Met1247Ile. To our knowledge, this nucleotide change has not been reported in the literature or in a large population database (gnomAD), indicating this variant is rare. However, the same amino acid substitution, resulting from a different nucleotide change (c.3741G>A), has been reported in an individual with autosomal dominant polycystic kidney disease (ADPKD) (Supplementary Table 2 of Yu et al. 2022. PubMed ID: 35778421). Of note, a different substitution at the same codon, defined as c.3739A>G (p.Met1247Val), was reported to occur de novo and be in trans with a suspected hypomorphic variant (c.8998C>T, p.Arg3000Cys) in an individual with polycystic kidneys detected prenatally (Durkie et al. 2021. PubMed ID: 33168999). Although we suspect that the c.3741G>C (p.Met1247Ile) variant is pathogenic, at this time, the clinical significance of this variant is uncertain due to the absence of conclusive functional and genetic evidence.

Fulgent Genetics
Classification: Likely pathogenic for Polycystic kidney disease, adult type. Last evaluated: 2024-04-17. Review status: criteria provided, single submitter. Criteria: ACMG Guidelines, 2015. Collection method: clinical testing. Allele origin: germline.

NM_001009944.3(PKD1):c.3741G>C (p.Met1247Ile)

Gene: PKD1 (polycystin 1, transient receptor potential channel interacting; minus strand). Cytogenetic location: 16p13.3.
Variant type: single nucleotide variant.
Coding change: c.3741G>C on transcript NM_001009944.3 (MANE Select); coding-DNA position 3741, G replaced by C.
Protein change: p.Met1247Ile; replaces methionine 1247 with isoleucine.
Molecular consequence: missense variant.
Genome position (GRCh38, 1-based): chr16:2,111,426, C>G on the plus strand (G>C on the coding strand, the complement: PKD1 is on the minus strand). VCF-style: chr16-2111426-C-G. GRCh37 (hg19) VCF-style: chr16-2161427-C-G.
Other names: c.3741G>C, p.Met1247Ile (NM_000296.4); short protein forms M1247I.
Identifiers: ClinVar variation 3344275 (VCV003344275.3).